The following is an entry in ClinVar:

NM_003613.4(CILP):c.3234T>C (p.Thr1078=)

Gene: CILP (cartilage intermediate layer protein; minus strand). Cytogenetic location: 15q22.31.
Variant type: single nucleotide variant.
Coding change: c.3234T>C on transcript NM_003613.4 (MANE Select); coding-DNA position 3234, T replaced by C.
Protein change: p.Thr1078=; no amino-acid change (threonine 1078 retained).
Molecular consequence: synonymous variant.
Genome position (GRCh38, 1-based): chr15:65,197,052, A>G on the plus strand (T>C on the coding strand, the complement: CILP is on the minus strand). VCF-style: chr15-65197052-A-G. GRCh37 (hg19) VCF-style: chr15-65489390-A-G.
Identifiers: ClinVar variation 3038907 (VCV003038907.2), dbSNP rs148504644, ClinGen allele CA7615144.

ClinVar aggregate classification (germline): Likely benign (0 of 4 stars; one submission).

Conditions:
CILP-related disorder. Also called: CILP-related condition.

Allele frequency attached by ClinVar (database versions not stated): TOPMed 0.00004; gnomAD 0.00005; gnomAD exomes 0.00006; ExAC 0.00008; ESP Exome Variant Server 0.00023.
gnomAD v4.1: 88 of 1,614,072 alleles (0.0055%); highest among the groups gnomAD compares: Non-Finnish European, 0.0072%; 1 homozygote.

Submission:

PreventionGenetics, part of Exact Sciences
Classification: Likely benign for CILP-related condition. Last evaluated: 2019-05-24. Review status: no assertion criteria provided. Collection method: clinical testing. Allele origin: germline.
Comment: This variant is classified as likely benign based on ACMG/AMP sequence variant interpretation guidelines (Richards et al. 2015 PMID: 25741868, with internal and published modifications).